The following is an entry in ClinVar:

NM_001042492.3(NF1):c.7790C>A (p.Ser2597Ter)

Gene: NF1 (neurofibromin 1; plus strand). Cytogenetic location: 17q11.2.
Variant type: single nucleotide variant.
Coding change: c.7790C>A on transcript NM_001042492.3 (MANE Select); coding-DNA position 7790, C replaced by A.
Protein change: p.Ser2597Ter; replaces serine 2597 with a stop codon.
Molecular consequence: nonsense.
Genome position (GRCh38, 1-based): chr17:31,357,011, C>A. VCF-style: chr17-31357011-C-A. GRCh37 (hg19) VCF-style: chr17-29684029-C-A.
Other names: c.7727C>A, p.Ser2576Ter (NM_000267.4); short protein forms S2576*, S2597*.
Identifiers: ClinVar variation 579517 (VCV000579517.5), dbSNP rs1567626945, ClinGen allele CA399018476.

ClinVar aggregate classification (germline): Pathogenic (1 of 4 stars; one submission).

Conditions:
Neurofibromatosis, type 1 (NF1). Also called: Peripheral type neurofibromatosis; Neurofibromatosis, type I; VON RECKLINGHAUSEN DISEASE; NEUROFIBROMATOSIS, TYPE I, SOMATIC. Identifiers: Orphanet 636, MedGen C0027831, MONDO:0018975, OMIM 162200. Disease mechanism: loss of function.

Submission:

Labcorp Genetics (formerly Invitae), Labcorp
Classification: Pathogenic for Neurofibromatosis, type 1. Last evaluated: 2018-03-21. Review status: criteria provided, single submitter. Criteria: Invitae Variant Classification Sherloc (09022015). Collection method: clinical testing. Allele origin: germline.
Comment: For these reasons, this variant has been classified as Pathogenic. Loss-of-function variants in NF1 are known to be pathogenic (PMID: 10712197, 23913538). This variant has been reported in individuals in the Leiden Open-source Variation Database (PMID: 21520333). In addition, a different variant (c.7727C>G) giving rise to the same protein effect observed here (p.Ser2576*) has been reported in an individual affected with neurofibromatosis type 1 (PMID: 18041031). This variant is not present in population databases (ExAC no frequency). This sequence change creates a premature translational stop signal (p.Ser2576*) in the NF1 gene. It is expected to result in an absent or disrupted protein product.

Literature cited by the submitters: PubMed 10712197; PubMed 23913538; PubMed 21520333; PubMed 18041031.